The following is an entry in ClinVar:

ClinVar aggregate classification (germline): Conflicting classifications of pathogenicity. Review status: criteria provided, conflicting classifications (1 of 4 stars). 5 submissions from 5 submitters: Uncertain significance (3); Likely benign (1). 1 of the submissions does not count toward it. Last evaluated 2026-04-12.

Conditions:
Inborn genetic diseases. Identifiers: MedGen C0950123, MeSH D030342.
Medium-chain acyl-coenzyme A dehydrogenase deficiency (ACADMD). Also called: CARNITINE DEFICIENCY SECONDARY TO MEDIUM-CHAIN ACYL-CoA DEHYDROGENASE DEFICIENCY; MCADD; Medium chain acyl-CoA dehydrogenase deficiency; MCAD Deficiency; ACADM DEFICIENCY; MCADH DEFICIENCY. Identifiers: Orphanet 42, MedGen C0220710, MONDO:0008721, OMIM 201450.

Allele frequency attached by ClinVar (database versions not stated): ExAC 0.00016; ESP Exome Variant Server 0.00031; 1000 Genomes Project 0.00080; gnomAD 0.00051 and 0.00047; TOPMed 0.00053; 1000 Genomes Project 30x 0.00094; gnomAD exomes 0.00004 and 0.00009.
gnomAD v4.1: 136 of 1,613,814 alleles (0.0084%); highest among the groups gnomAD compares: African/African-American, 0.16%; 1 homozygote.

Submissions (5):

GeneDx
Classification: Uncertain significance. Last evaluated: 2026-04-12. Review status: criteria provided, single submitter. Criteria: GeneDx Variant Classification Process June 2021. Collection method: clinical testing. Allele origin: germline.
Comment: In silico analysis supports that this missense variant has a deleterious effect on protein structure/function; Has not been previously published as pathogenic or benign to our knowledge

Labcorp Genetics (formerly Invitae), Labcorp
Classification: Likely benign for Medium-chain acyl-coenzyme A dehydrogenase deficiency. Last evaluated: 2026-01-26. Review status: criteria provided, single submitter. Criteria: Invitae Variant Classification Sherloc (09022015). Collection method: clinical testing. Allele origin: germline.

ARUP Laboratories, Molecular Genetics and Genomics, ARUP Laboratories
Classification: Uncertain significance for Medium-chain acyl-coenzyme A dehydrogenase deficiency. Last evaluated: 2024-05-29. Review status: criteria provided, single submitter. Criteria: ARUP Molecular Germline Variant Investigation Process 2024. Collection method: clinical testing. Allele origin: germline.
Comment: The ACADM c.666C>A; p.Phe222Leu variant (rs139457557), to our knowledge, is not reported in the medical literature but is reported in ClinVar (Variation ID: 582928). This variant is found in the African population with an allele frequency of 0.14% (35/24952 alleles, including one homozygote) in the Genome Aggregation Database (v2.1.1). Computational analyses predict that this variant is deleterious (REVEL: 0.708). Due to limited information, the clinical significance of the p.Phe222Leu variant is uncertain at this time.

Ambry Genetics
Classification: Uncertain significance for Inborn genetic diseases. Last evaluated: 2021-11-29. Review status: criteria provided, single submitter. Criteria: Ambry Variant Classification Scheme 2023. Collection method: clinical testing. Allele origin: germline.
Comment: The p.F222L variant (also known as c.666C>A), located in coding exon 8 of the ACADM gene, results from a C to A substitution at nucleotide position 666. The phenylalanine at codon 222 is replaced by leucine, an amino acid with highly similar properties. This amino acid position is conserved. In addition, this alteration is predicted to be deleterious by in silico analysis. Since supporting evidence is limited at this time, the clinical significance of this alteration remains unclear.

Natera, Inc.
Classification: Uncertain significance for Medium-chain acyl-coenzyme a dehydrogenase deficiency. Last evaluated: 2017-05-04. Review status: no assertion criteria provided. Collection method: clinical testing. Allele origin: germline. Not counted in ClinVar's aggregate classification.

NM_000016.6(ACADM):c.666C>A (p.Phe222Leu)

Gene: ACADM (acyl-CoA dehydrogenase medium chain; plus strand). Cytogenetic location: 1p31.1.
Variant type: single nucleotide variant.
Coding change: c.666C>A on transcript NM_000016.6 (MANE Select); coding-DNA position 666, C replaced by A.
Protein change: p.Phe222Leu; replaces phenylalanine 222 with leucine.
Molecular consequence: missense variant.
Genome position (GRCh38, 1-based): chr1:75,745,872, C>A. VCF-style: chr1-75745872-C-A. GRCh37 (hg19) VCF-style: chr1-76211557-C-A.
Other names: c.678C>A, p.Phe226Leu (NM_001127328.3); c.558C>A, p.Phe186Leu (NM_001286042.2); c.765C>A, p.Phe255Leu (NM_001286043.2); c.99C>A, p.Phe33Leu (NM_001286044.2); short protein forms F222L, F255L, F226L, F33L, F186L.
Identifiers: ClinVar variation 582928 (VCV000582928.13), dbSNP rs139457557, ClinGen allele CA913170.